The following is an entry in ClinVar:

NM_024740.2(ALG9):c.125G>C (p.Arg42Pro)

Genes: ALG9 (ALG9 alpha-1,2-mannosyltransferase; minus strand), LOC130006752 (ATAC-STARR-seq lymphoblastoid silent region 3902; plus strand). Cytogenetic location: 11q23.1.
Variant type: single nucleotide variant.
Coding change: c.125G>C on transcript NM_024740.2 (MANE Select); coding-DNA position 125, G replaced by C.
Protein change: p.Arg42Pro; replaces arginine 42 with proline.
Molecular consequence: missense variant. On other transcripts: 5 prime UTR variant (3).
Genome position (GRCh38, 1-based): chr11:111,871,358, C>G on the plus strand (G>C on the coding strand, the complement: ALG9 is on the minus strand). VCF-style: chr11-111871358-C-G. GRCh37 (hg19) VCF-style: chr11-111742081-C-G.
Other names: c.125G>C, p.Arg42Pro (NM_001077690.1, NM_001352417.1, NM_001352418.1); c.-250G>C (NM_001352409.1); c.-393G>C (NM_001352410.1, NM_001352413.1); short protein forms R42P.
Identifiers: ClinVar variation 1034071 (VCV001034071.12), dbSNP rs781880611, ClinGen allele CA382616406.

ClinVar aggregate classification (germline): Conflicting classifications of pathogenicity. Review status: criteria provided, conflicting classifications (1 of 4 stars). 4 submissions from 4 submitters: Uncertain significance (2); Likely benign (1). 1 of the submissions does not count toward it. Last evaluated 2026-08-06.

Conditions:
ALG9-related disorder. Also called: ALG9-related condition.
Gillessen-Kaesbach-Nishimura syndrome (GIKANIS). Identifiers: MedGen C1849762, MONDO:0009890, OMIM 263210.
ALG9 congenital disorder of glycosylation (CDG1L). Also called: CDG Il; ALG9-CDG; CONGENITAL DISORDER OF GLYCOSYLATION, TYPE Il. Identifiers: Orphanet 79328, MedGen C2931006, MONDO:0012117, OMIM 608776.

Allele frequency attached by ClinVar (database versions not stated): 1000 Genomes Project 30x 0.00031; TOPMed 0.00071.
gnomAD v4.1: 172 of 1,530,034 alleles (0.011%); highest among the groups gnomAD compares: African/African-American, 0.19%; no homozygotes.

Submissions (4):

OLLIN Analises Genomicas, OLLIN
Classification: Uncertain significance for Gillessen-Kaesbach-Nishimura syndrome. Last evaluated: 2026-08-06. Review status: criteria provided, single submitter. Criteria: ACMG Guidelines 2015 PMID 25741868. Collection method: clinical testing. Allele origin: germline.
Comment: This missense variant, located in exon 1 (of 15), has been reported in ClinVar (accession VCV001034071.11) and in gnomAD with an allele frequency of 0.011%. However, to our knowledge, it has not been reported in the scientific literature. In silico analysis predicts that this variant has a tolerated effect. According to the currently available evidence, this variant has been classified as uncertain significance (PM2_P, BP4_M).

Labcorp Genetics (formerly Invitae), Labcorp
Classification: Likely benign for ALG9 congenital disorder of glycosylation. Last evaluated: 2025-08-11. Review status: criteria provided, single submitter. Criteria: Invitae Variant Classification Sherloc (09022015). Collection method: clinical testing. Allele origin: germline.

Baylor Genetics
Classification: Uncertain significance for ALG9 congenital disorder of glycosylation. Last evaluated: 2018-11-08. Review status: criteria provided, single submitter. Criteria: ACMG Guidelines, 2015. Collection method: clinical testing. Allele origin: unknown. Affected: yes.
Comment: This variant was determined to be of uncertain significance according to ACMG Guidelines, 2015 [PMID:25741868].

PreventionGenetics, part of Exact Sciences
Classification: Likely benign for ALG9-related condition. Last evaluated: 2023-05-24. Review status: no assertion criteria provided. Collection method: clinical testing. Allele origin: germline. Not counted in ClinVar's aggregate classification.
Comment: This variant is classified as likely benign based on ACMG/AMP sequence variant interpretation guidelines (Richards et al. 2015 PMID: 25741868, with internal and published modifications).